The following is an entry in ClinVar:

NM_002691.4(POLD1):c.307C>T (p.His103Tyr)

Gene: POLD1 (DNA polymerase delta 1, catalytic subunit; plus strand). Cytogenetic location: 19q13.33.
Variant type: single nucleotide variant.
Coding change: c.307C>T on transcript NM_002691.4 (MANE Select); coding-DNA position 307, C replaced by T.
Protein change: p.His103Tyr; replaces histidine 103 with tyrosine.
Molecular consequence: missense variant. On other transcripts: non-coding transcript variant (1).
Genome position (GRCh38, 1-based): chr19:50,399,475, C>T. VCF-style: chr19-50399475-C-T. GRCh37 (hg19) VCF-style: chr19-50902732-C-T.
Other names: c.307C>T, p.His103Tyr (NM_001256849.1, NM_001308632.1); c.307C>T (NM_002691.2); short protein forms H103Y.
Identifiers: ClinVar variation 574561 (VCV000574561.9), dbSNP rs1568615792, ClinGen allele CA406970671.

ClinVar aggregate classification (germline): Uncertain significance. Review status: criteria provided, multiple submitters, no conflicts (2 of 4 stars). 2 submissions from 2 submitters: Uncertain significance (2). Last evaluated 2025-01-19.

Conditions:
POLD1-related polyposis and colorectal cancer syndrome (CRCS10). Also called: Colorectal cancer 10; COLORECTAL CANCER, SUSCEPTIBILITY TO, ON CHROMOSOME 19q; Colorectal cancer, susceptibility to, 10. Identifiers: Orphanet 220460, MedGen C2675481, MONDO:0012953, OMIM 612591.
Hereditary cancer-predisposing syndrome. Also called: Tumor predisposition; Neoplastic Syndromes, Hereditary; Hereditary Cancer Syndrome; Hereditary neoplastic syndrome. Identifiers: Orphanet 140162, MedGen C0027672, MeSH D009386, MONDO:0015356.

Submissions (2):

Ambry Genetics
Classification: Uncertain significance for Hereditary cancer-predisposing syndrome. Last evaluated: 2025-01-19. Review status: criteria provided, single submitter. Criteria: Ambry Variant Classification Scheme 2023. Collection method: clinical testing. Allele origin: germline.
Comment: The p.H103Y variant (also known as c.307C>T), located in coding exon 2 of the POLD1 gene, results from a C to T substitution at nucleotide position 307. The histidine at codon 103 is replaced by tyrosine, an amino acid with similar properties. This amino acid position is conserved. In addition, this alteration is predicted to be tolerated by in silico analysis. Based on the available evidence, the clinical significance of this variant remains unclear.

Labcorp Genetics (formerly Invitae), Labcorp
Classification: Uncertain significance for POLD1-related polyposis and colorectal cancer syndrome. Last evaluated: 2023-08-07. Review status: criteria provided, single submitter. Criteria: Invitae Variant Classification Sherloc (09022015). Collection method: clinical testing. Allele origin: germline.
Comment: This sequence change replaces histidine, which is basic and polar, with tyrosine, which is neutral and polar, at codon 103 of the POLD1 protein (p.His103Tyr). This variant is not present in population databases (gnomAD no frequency). This variant has not been reported in the literature in individuals affected with POLD1-related conditions. ClinVar contains an entry for this variant (Variation ID: 574561). Advanced modeling of protein sequence and biophysical properties (such as structural, functional, and spatial information, amino acid conservation, physicochemical variation, residue mobility, and thermodynamic stability) performed at Invitae indicates that this missense variant is not expected to disrupt POLD1 protein function. In summary, the available evidence is currently insufficient to determine the role of this variant in disease. Therefore, it has been classified as a Variant of Uncertain Significance.